The following is an entry in ClinVar:

NM_001025356.3(ANO6):c.71-17del

Gene: ANO6 (anoctamin 6; plus strand). Cytogenetic location: 12q12.
Variant type: Deletion.
Coding change: c.71-17del on transcript NM_001025356.3 (MANE Select); 17 bases into the intron before coding-DNA position 71, one base deleted (T; older notation c.71-17delT).
Molecular consequence: intron variant.
Genome position (GRCh38, 1-based): chr12:45,301,997, T deleted. VCF-style (leftmost placement, unchanged base first): chr12-45301996-AT-A. GRCh37 (hg19) VCF-style: chr12-45695779-AT-A.
Other names: c.71-17delT (NM_001025356.3); c.71-17del (NM_001142679.2); c.134-17del (NM_001204803.2); c.38-17del (NM_001410973.1); c.17-17del (NM_001142678.2).
Identifiers: ClinVar variation 2955020 (VCV002955020.4), dbSNP rs758732489, ClinGen allele CA6524864.

ClinVar aggregate classification (germline): Likely benign. Review status: criteria provided, multiple submitters, no conflicts (2 of 4 stars). 2 submissions from 2 submitters: Likely benign (2). Last evaluated 2025-09-15.

Allele frequency attached by ClinVar (database versions not stated): ExAC 0.00020; TOPMed 0.00020; gnomAD exomes 0.00005; gnomAD 0.00008.

Submissions (2):

Labcorp Genetics (formerly Invitae), Labcorp
Classification: Likely benign. Last evaluated: 2025-09-15. Review status: criteria provided, single submitter. Criteria: Invitae Variant Classification Sherloc (09022015). Collection method: clinical testing. Allele origin: germline.

Women's Health and Genetics/Laboratory Corporation of America, LabCorp
Classification: Likely benign. Last evaluated: 2024-11-19. Review status: criteria provided, single submitter. Criteria: LabCorp Variant Classification Summary - May 2015. Collection method: clinical testing. Allele origin: germline.
Comment: Variant summary: ANO6 c.71-17delT alters a non-conserved nucleotide located at a position not widely known to affect splicing. Consensus agreement among computation tools predict no significant impact on normal splicing. However, these predictions have yet to be confirmed by functional studies. The variant allele was found at a frequency of 0.00018 in 251082 control chromosomes. This frequency is not significantly higher than estimated for a pathogenic variant in ANO6 causing Scott Syndrome, allowing no conclusion about variant significance. To our knowledge, no occurrence of c.71-17delT in individuals affected with Scott Syndrome and no experimental evidence demonstrating its impact on protein function have been reported. ClinVar contains an entry for this variant (Variation ID: 2955020). Based on the evidence outlined above, the variant was classified as likely benign.